The following is an entry in ClinVar:

ClinVar aggregate classification (germline): Benign/Likely benign. Review status: criteria provided, multiple submitters, no conflicts (2 of 4 stars). 6 submissions from 6 submitters: Benign (1); Likely benign (4). 1 of the submissions does not count toward it. Last evaluated 2026-08-01.

Conditions:
MTO1-related disorder. Also called: MTO1-related condition.
Mitochondrial hypertrophic cardiomyopathy with lactic acidosis due to MTO1 deficiency. Also called: CARDIOMYOPATHY, INFANTILE HYPERTROPHIC MITOCHONDRIAL, AND LACTIC ACIDOSIS; Combined oxidative phosphorylation deficiency 10. Identifiers: Orphanet 314637, MedGen C4749921, MONDO:0013865, OMIM 614702.

Allele frequency attached by ClinVar (database versions not stated): ESP Exome Variant Server 0.00392; 1000 Genomes Project 30x 0.00031; 1000 Genomes Project 0.00040; gnomAD 0.00251 and 0.00255; ExAC 0.00260; TOPMed 0.00270.
gnomAD v4.1: 6,006 of 1,614,054 alleles (0.37%); highest among the groups gnomAD compares: Non-Finnish European, 0.42%; 22 homozygotes.

Submissions (6):

CeGaT Center for Human Genetics Tuebingen
Classification: Likely benign. Last evaluated: 2026-08-01. Review status: criteria provided, single submitter. Criteria: CeGaT Center For Human Genetics Tuebingen Variant Classification Criteria Version 2. Collection method: clinical testing. Allele origin: germline. Affected: yes. Observed: 9 variant alleles.
Comment: MTO1: BP4, BS2

Labcorp Genetics (formerly Invitae), Labcorp
Classification: Likely benign for Mitochondrial hypertrophic cardiomyopathy with lactic acidosis due to MTO1 deficiency. Last evaluated: 2026-02-03. Review status: criteria provided, single submitter. Criteria: Invitae Variant Classification Sherloc (09022015). Collection method: clinical testing. Allele origin: germline.

Mayo Clinic Laboratories, Mayo Clinic
Classification: Benign. Last evaluated: 2025-07-17. Review status: criteria provided, single submitter. Criteria: ACMG Guidelines, 2015. Collection method: clinical testing. Allele origin: germline. Observed: 22 variant alleles.
Comment: BS1, BS2, BP4_strong

Blueprint Genetics
Classification: Likely benign. Last evaluated: 2024-10-29. Review status: criteria provided, single submitter. Criteria: ACMG Guidelines, 2015. Collection method: clinical testing. Allele origin: germline.

GeneDx
Classification: Likely benign. Last evaluated: 2024-02-27. Review status: criteria provided, single submitter. Criteria: GeneDx Variant Classification Process June 2021. Collection method: clinical testing. Allele origin: germline. Affected: yes.
Comment: See Variant Classification Assertion Criteria.

PreventionGenetics, part of Exact Sciences
Classification: Benign for MTO1-related condition. Last evaluated: 2019-07-30. Review status: no assertion criteria provided. Collection method: clinical testing. Allele origin: germline. Not counted in ClinVar's aggregate classification.
Comment: This variant is classified as benign based on ACMG/AMP sequence variant interpretation guidelines (Richards et al. 2015 PMID: 25741868, with internal and published modifications).

Literature cited by the submitters: PubMed 32489883 (cited by Mayo Clinic Laboratories, Mayo Clinic).

NM_012123.4(MTO1):c.620C>T (p.Thr207Met)

Gene: MTO1 (mitochondrial tRNA translation optimization 1; plus strand). Cytogenetic location: 6q13.
Variant type: single nucleotide variant.
Coding change: c.620C>T on transcript NM_012123.4 (MANE Select); coding-DNA position 620, C replaced by T.
Protein change: p.Thr207Met; replaces threonine 207 with methionine.
Molecular consequence: missense variant.
Genome position (GRCh38, 1-based): chr6:73,473,449, C>T. VCF-style: chr6-73473449-C-T. GRCh37 (hg19) VCF-style: chr6-74183172-C-T.
Other names: p.Thr207Met; c.620C>T, p.Thr207Met (NM_001123226.2, NM_133645.3); short protein forms T207M.
Identifiers: ClinVar variation 240849 (VCV000240849.42), dbSNP rs139334277, ClinGen allele CA3889408.